The following is an entry in ClinVar:

NM_015346.4(ZFYVE26):c.5838_5839delinsTGCACAGT (p.Ser1947delinsAlaGlnCys)

Gene: ZFYVE26 (zinc finger FYVE-type containing 26; minus strand). Cytogenetic location: 14q24.1.
Variant type: Indel.
Coding change: c.5838_5839delinsTGCACAGT on transcript NM_015346.4 (MANE Select); coding-DNA positions 5838 to 5839, CA replaced by TGCACAGT.
Protein change: p.Ser1947delinsAlaGlnCys.
Molecular consequence: inframe indel.
Genome position (GRCh38, 1-based): chr14:67,766,399-67,766,400, TG replaced by ACTGTGCA on the plus strand (CA replaced by TGCACAGT on the coding strand, the reverse complement: ZFYVE26 is on the minus strand). VCF-style: chr14-67766399-TG-ACTGTGCA. GRCh37 (hg19) VCF-style: chr14-68233116-TG-ACTGTGCA.
Identifiers: ClinVar variation 1321553 (VCV001321553.2), dbSNP rs2140199578, ClinGen allele CA2573053937.

ClinVar aggregate classification (germline): Uncertain significance (1 of 4 stars; one submission).

Submission:

GeneDx
Classification: Uncertain significance. Last evaluated: 2021-11-09. Review status: criteria provided, single submitter. Criteria: GeneDx Variant Classification Process June 2021. Collection method: clinical testing. Allele origin: germline. Affected: yes.
Comment: Not observed in large population cohorts (Lek et al., 2016); In-frame deletion of 1 correct amino acid and insertion of 3 incorrect amino acids in a non-repeat region; In silico analysis supports a deleterious effect on protein structure/function; Has not been previously published as pathogenic or benign to our knowledge